The following continues an entry in ClinVar:

NM_206933.4(USH2A):c.2276G>T (p.Cys759Phe)

Gene: USH2A. ClinVar aggregate classification (germline): Pathogenic. Pathogenic (1).

Submissions 38 to 58 of 61:

Myriad Genetics, Inc.
Classification: Likely pathogenic for Usher syndrome type 2A. Last evaluated: 2019-12-17. Review status: criteria provided, single submitter. Criteria: Myriad Women's Health Autosomal Recessive and X-Linked Classification Criteria (2019). Collection method: clinical testing. Allele origin: unknown. Not counted in ClinVar's aggregate classification.
Comment: NM_206933.2(USH2A):c.2276G>T(C759F) is classified as likely pathogenic in the context of USH2A-related disorders and is associated with variable presentation of this disease. Sources cited for classification include the following: PMID 24944099, 1968399 and 18273898. Classification of NM_206933.2(USH2A):c.2276G>T(C759F) is based on the following criteria: This variant has been observed more frequently in patients with clinical diagnoses than in healthy populations. Please note: this variant was assessed in the context of healthy population screening.

Women's Health and Genetics/Laboratory Corporation of America, LabCorp
Classification: Pathogenic for Usher syndrome. Last evaluated: 2019-11-26. Review status: criteria provided, single submitter. Criteria: LabCorp Variant Classification Summary - May 2015. Collection method: clinical testing. Allele origin: germline. Not counted in ClinVar's aggregate classification.
Comment: Variant summary: USH2A c.2276G>T (p.Cys759Phe) results in a non-conservative amino acid change located in the Laminin EGF-like 5 domain of the encoded protein sequence. Five of five in-silico tools predict a damaging effect of the variant on protein function. The variant allele was found at a frequency of 0.00097 in 250722 control chromosomes (gnomAD). This frequency is not significantly higher than expected for a pathogenic variant in USH2A causing Usher syndrome (0.00097 vs 0.013), allowing no conclusion about variant significance. c.2276G>T has been reported in the literature in multiple individuals affected with nonsyndromic RP, Usher Syndrome and atypical Usher syndrome (e.g. Rivolta_2000, Aller_2004). These data indicate that the variant is very likely to be associated with disease. To our knowledge, no experimental evidence demonstrating an impact on protein function has been reported. Twelve ClinVar submissions (evaluation after 2014) cite the variant eight times as pathogenic and four times as likely pathogenic. Based on the evidence outlined above, the variant was classified as pathogenic.

Laboratory for Molecular Medicine, Mass General Brigham Personalized Medicine
Classification: Pathogenic for Usher syndrome. Last evaluated: 2019-08-28. Review status: criteria provided, single submitter. Criteria: ACMG Guidelines, 2015. Collection method: clinical testing. Allele origin: germline. Inheritance: Autosomal recessive inheritance. Not counted in ClinVar's aggregate classification.
Comment: The p.Cys759Phe variant in USH2A is a common pathogenic variant reported in 21 individuals with Usher syndrome and 90 individuals with isolated recessive retinitis pigmentosa (Rivolta 2000, Dreyer 2000, Najera 2002, Rivolta 2002, Bernal 2003, Aller 2004, Seyedahmadi 2004, Bernal 2005, Baux 2007, Dreyer 2008, Sandberg 2008, Avila-Fernandez 2010, Vozzi 2011). It has also been identified in 0.2% (72/35410) of Latino chromosomes and 0.1% (182/128602) of European chromosomes by gnomAD; however, this frequency is consistent with a recessive carrier frequency. This variant has also been reported by several clinical laboratories in ClinVar as pathogenic or likely pathogenic (Variation ID 2356). Computational prediction tools and conservation analyses suggest that this variant may impact the protein. Additionally, this variant is commonly seen with a second pathogenic allele and is observed to cosegregate with disease in affected family members. In summary, this variant meets criteria to be classified as pathogenic for Usher syndrome type IIA and retinitis pigmentosa both in an autosomal recessive manner. ACMG/AMP criteria applied: PM3_Strong, PP1_Strong, PP3, PP4.

Mendelics
Classification: Likely pathogenic for Usher syndrome type 2A. Last evaluated: 2019-05-28. Review status: criteria provided, single submitter. Criteria: Mendelics Assertion Criteria 2017. Collection method: clinical testing. Allele origin: unknown. Not counted in ClinVar's aggregate classification.

Eurofins Ntd Llc (ga)
Classification: Pathogenic. Last evaluated: 2017-10-05. Review status: criteria provided, single submitter. Criteria: EGL Classification Definitions 2015. Collection method: clinical testing. Allele origin: germline. Observed: 11 variant alleles, 11 heterozygotes. Not counted in ClinVar's aggregate classification.

Illumina Laboratory Services, Illumina
Classification: Pathogenic for USH2A-Related Disorders. Last evaluated: 2016-06-14. Review status: criteria provided, single submitter. Criteria: ICSL Variant Classification 20161018. Collection method: clinical testing. Allele origin: germline. Not counted in ClinVar's aggregate classification.
Comment: The c.2276G>T (p.Cys759Phe) variant is a well described pathogenic variant for USH2A-related disorders. Across a selection of the available literature, the variant is reported in over 90 patients with retinitis pigmentosa and 40 patients with Usher syndrome (Rivolta et al. 2000; Dreyer et al. 2000; NÃ¡jera et al. 2002; Rivolta et al. 2002; Bernal et al. 2003; Aller et al. 2004; Seyedahmadi et al. 2004; Bernal et al. 2005; Baux et al. 2007; Dreyer et al. 2008; Sandberg et al. 2008; Ãvila-FernÃ¡ndez et al. 2010; Vozzi et al. 2011; GlÃ¶ckle et al. 2014; Blanco-Kelly et al. 2015; Lenassi et al. 2015). Among those with isolated retinitis pigmentosa, fifteen were found to be homozygous for the variant and 34 were identified as compound heterozygous for the variant. Furthermore, the p.Cys759Phe variant has been found to cosegregate with disease in multiple families (Bernal et al. 2003; Ãvila-FernÃ¡ndez et al. 2010). The variant was identified in a heterozygous state in eight of 3400 controls, and is reported at a frequency of 0.00209 in the European American population of the Exome Sequencing Project. The Cys759 residue occurs in a laminin-type epidermal growth factor-like domain. The p.Cys759Phe variant is predicted to disrupt disulfide bond formation and lead to abnormal protein folding (Dreyer et al. 2000; Baux et al. 2007). Based on the collective evidence, the p.Cys759Phe variant is classified as pathogenic for USH2A-related disorders.

Genomic Diagnostic Laboratory, Division of Genomic Diagnostics, Children's Hospital of Philadelphia
Classification: Pathogenic. Last evaluated: 2015-10-31. Review status: criteria provided, single submitter. Criteria: DGD Variant Analysis Guidelines. Collection method: clinical testing. Allele origin: unknown. Not counted in ClinVar's aggregate classification.

Ambry Genetics
Classification: Pathogenic for Inborn genetic diseases. Last evaluated: 2015-03-03. Review status: criteria provided, single submitter. Criteria: Ambry exome assertion method (8-5-2015). Collection method: clinical testing. Allele origin: germline. Affected: yes. Observed: 1 variant allele. Not counted in ClinVar's aggregate classification.

UCLA Clinical Genomics Center, UCLA
Classification: Likely pathogenic for Retinitis pigmentosa 39. Last evaluated: 2013-02-05. Review status: criteria provided, single submitter. Criteria: Lee et al. (JAMA. 2014). Collection method: clinical testing. Allele origin: unknown. Inheritance: Autosomal recessive inheritance. Affected: yes. Study: CES. Not counted in ClinVar's aggregate classification.

Baylor Genetics
Classification: Pathogenic for Usher syndrome type 2A. Review status: criteria provided, single submitter. Criteria: ACMG Guidelines, 2015. Collection method: clinical testing. Allele origin: germline. Not counted in ClinVar's aggregate classification.

Clinical Genetics Service, Universitary Hospital 12 de Octubre
Classification: Pathogenic for Retinitis pigmentosa 39. Review status: criteria provided, single submitter. Criteria: ACMG Guidelines, 2015. Collection method: clinical testing. Allele origin: germline. Affected: yes. Not counted in ClinVar's aggregate classification.

Clinical Genetics Service, Universitary Hospital 12 de Octubre
Classification: Pathogenic for Usher syndrome type 2A. Review status: criteria provided, single submitter. Criteria: ACMG Guidelines, 2015. Collection method: clinical testing. Allele origin: germline. Affected: yes. Not counted in ClinVar's aggregate classification.

Department of Clinical Genetics, Copenhagen University Hospital, Rigshospitalet
Classification: Pathogenic for Retinitis pigmentosa. Last evaluated: 2018-04-01. Review status: no assertion criteria provided. Collection method: research. Allele origin: unknown. Affected: yes. Study: VeluxRD. Not counted in ClinVar's aggregate classification.

Counsyl
Classification: Likely pathogenic for Retinitis pigmentosa 39. Last evaluated: 2016-11-03. Review status: no assertion criteria provided. Collection method: clinical testing. Allele origin: unknown. Not counted in ClinVar's aggregate classification.

Joint Genome Diagnostic Labs from Nijmegen and Maastricht, Radboudumc and MUMC+
Classification: Likely pathogenic for Retinitis pigmentosa 39. Last evaluated: 2016-09-01. Review status: no assertion criteria provided. Collection method: clinical testing. Allele origin: unknown. Affected: yes. Observed: 4 variant alleles. Not counted in ClinVar's aggregate classification.

Faculty of Health Sciences, Beirut Arab University
Classification: Pathogenic for Autosomal recessive Retinitis Pigmentosa. Last evaluated: 2015-09-10. Review status: no assertion criteria provided. Collection method: literature only. Allele origin: germline. Affected: yes. Observed: 1 variant allele. Not counted in ClinVar's aggregate classification.

OMIM
Classification: Pathogenic for RETINITIS PIGMENTOSA 39. Last evaluated: 2015-07-01. Review status: no assertion criteria provided. Collection method: literature only. Allele origin: germline. Not counted in ClinVar's aggregate classification.

NIHR Bioresource Rare Diseases, University of Cambridge
Classification: Likely pathogenic for Retinitis pigmentosa. Last evaluated: 2015-01-01. Review status: no assertion criteria provided. Collection method: research. Allele origin: unknown. Affected: yes. Observed: 7 variant alleles. Not counted in ClinVar's aggregate classification.

NIHR Bioresource Rare Diseases, University of Cambridge
Classification: Likely pathogenic for Usher syndrome. Last evaluated: 2015-01-01. Review status: no assertion criteria provided. Collection method: research. Allele origin: unknown. Affected: yes. Observed: 1 variant allele. Not counted in ClinVar's aggregate classification.

NIHR Bioresource Rare Diseases, University of Cambridge
Classification: Likely pathogenic for Retinal dystrophy. Last evaluated: 2015-01-01. Review status: no assertion criteria provided. Collection method: research. Allele origin: unknown. Affected: yes. Observed: 1 variant allele. Not counted in ClinVar's aggregate classification.

Clinical Genetics DNA and cytogenetics Diagnostics Lab, Erasmus MC, Erasmus Medical Center
Classification: Pathogenic. Review status: no assertion criteria provided. Collection method: clinical testing. Allele origin: germline. Affected: yes. Study: VKGL Data-share Consensus. Not counted in ClinVar's aggregate classification.